The following is an entry in ClinVar:

ClinVar aggregate classification (germline): Uncertain significance. Review status: criteria provided, multiple submitters, no conflicts (2 of 4 stars). 7 submissions from 7 submitters: Uncertain significance (7). Last evaluated 2025-12-21.

Conditions:
Familial thoracic aortic aneurysm and aortic dissection (TAAD). Also called: Thoracic aortic aneurysms and dissections. Identifiers: Orphanet 91387, MedGen C4707243, MONDO:0019625.
Ehlers-Danlos syndrome, type 4 (EDSVASC). Also called: Ehlers-Danlos syndrome vascular type; Ehlers Danlos syndrome, ecchymotic type; Ehlers Danlos syndrome, arterial type; Ehlers Danlos syndrome, Sack-Barabas type; Ehlers-Danlos Syndrome Type IV. Identifiers: Orphanet 286, MedGen C0268338, MONDO:0017314, OMIM 130050.

Allele frequency attached by ClinVar (database versions not stated): TOPMed 0.00002; gnomAD 0.00006.
gnomAD v4.1: 11 of 1,614,086 alleles (0.00068%); highest among the groups gnomAD compares: Non-Finnish European, 0.00093%; no homozygotes.

Submissions (7):

Labcorp Genetics (formerly Invitae), Labcorp
Classification: Uncertain significance for Ehlers-Danlos syndrome, type 4. Last evaluated: 2025-12-21. Review status: criteria provided, single submitter. Criteria: Invitae Variant Classification Sherloc (09022015). Collection method: clinical testing. Allele origin: germline.
Comment: This sequence change replaces lysine, which is basic and polar, with glutamine, which is neutral and polar, at codon 1313 of the COL3A1 protein (p.Lys1313Gln). This variant is present in population databases (no rsID available, gnomAD 0.002%). This missense change has been observed in individual(s) with scoliosis (PMID: 26566670). ClinVar contains an entry for this variant (Variation ID: 263935). Invitae Evidence Modeling of protein sequence and biophysical properties (such as structural, functional, and spatial information, amino acid conservation, physicochemical variation, residue mobility, and thermodynamic stability) indicates that this missense variant is not expected to disrupt COL3A1 protein function with a negative predictive value of 95%. In summary, the available evidence is currently insufficient to determine the role of this variant in disease. Therefore, it has been classified as a Variant of Uncertain Significance.

Mayo Clinic Laboratories, Mayo Clinic
Classification: Uncertain significance. Last evaluated: 2025-09-22. Review status: criteria provided, single submitter. Criteria: ACMG Guidelines, 2015. Collection method: clinical testing. Allele origin: germline. Observed: 1 variant allele.
Comment: PP3, PM2_supporting

All of Us Research Program, National Institutes of Health
Classification: Uncertain significance for Ehlers-Danlos syndrome, type 4. Last evaluated: 2024-04-16. Review status: criteria provided, single submitter. Criteria: ACMG Guidelines, 2015. Collection method: clinical testing. Allele origin: germline. Inheritance: Autosomal dominant inheritance. Observed: 8 variant alleles, 8 heterozygotes.
Comment: This missense variant replaces lysine with glutamine at codon 1313 of the COL3A1 protein. Computational prediction is inconclusive regarding the impact of this variant on protein structure and function (internally defined REVEL score threshold 0.5 < inconclusive < 0.7, PMID: 27666373). To our knowledge, functional studies have not been reported for this variant. This variant has not been reported in individuals affected with cardiovascular disorders in the literature. This variant has been identified in 3/282832 chromosomes in the general population by the Genome Aggregation Database (gnomAD). The available evidence is insufficient to determine the role of this variant in disease conclusively. Therefore, this variant is classified as a Variant of Uncertain Significance.

This study involves interpretation of variants in research participants for the purpose of population health screening. Participant phenotype was not available at the time of variant classification. Additional details can be found in publication PMID: 35346344, PMCID: PMC8962531

Color Diagnostics, LLC DBA Color Health
Classification: Uncertain significance for Familial thoracic aortic aneurysm and aortic dissection. Last evaluated: 2024-03-06. Review status: criteria provided, single submitter. Criteria: ACMG Guidelines, 2015. Collection method: clinical testing. Allele origin: germline.
Comment: This missense variant replaces lysine with glutamine at codon 1313 of the COL3A1 protein. Computational prediction is inconclusive regarding the impact of this variant on protein structure and function (internally defined REVEL score threshold 0.5 < inconclusive < 0.7, PMID: 27666373). To our knowledge, functional studies have not been reported for this variant. This variant has not been reported in individuals affected with COL3A1-related disorders in the literature. This variant has been identified in 3/282832 chromosomes in the general population by the Genome Aggregation Database (gnomAD). The available evidence is insufficient to determine the role of this variant in disease conclusively. Therefore, this variant is classified as a Variant of Uncertain Significance.

CeGaT Center for Human Genetics Tuebingen
Classification: Uncertain significance. Last evaluated: 2023-11-01. Review status: criteria provided, single submitter. Criteria: CeGaT Center For Human Genetics Tuebingen Variant Classification Criteria Version 2. Collection method: clinical testing. Allele origin: germline. Affected: yes. Observed: 1 variant allele.
Comment: COL3A1: PM5, PM2:Supporting

Fulgent Genetics
Classification: Uncertain significance for Ehlers-Danlos syndrome, type 4. Last evaluated: 2018-10-31. Review status: criteria provided, single submitter. Criteria: ACMG Guidelines, 2015. Collection method: clinical testing. Allele origin: unknown.

Ambry Genetics
Classification: Uncertain significance for Familial thoracic aortic aneurysm and aortic dissection. Last evaluated: 2015-03-12. Review status: criteria provided, single submitter. Criteria: Ambry Variant Classification Scheme 2023. Collection method: clinical testing. Allele origin: germline.
Comment: The p.K1313Q variant (also known as c.3937A>C), located in coding exon 49 of the COL3A1 gene, results from an A to C substitution at nucleotide position 3937. The lysine at codon 1313 is replaced by glutamine, an amino acid with some similar properties. This variant was not reported in population based cohorts in the following databases: Database of Single Nucleotide Polymorphisms (dbSNP), NHLBI Exome Sequencing Project (ESP), and 1000 Genomes Project. In the ESP, this variant was not observed in 6503 samples (13006 alleles) with coverage at this position. This amino acid position is completely conserved on sequence alignment. In addition, the in silico prediction for this alteration is inconclusive. Since supporting evidence is limited at this time, the clinical significance of this variant remains unclear.

Literature cited by the submitters: PubMed 26566670 (cited by Labcorp Genetics (formerly Invitae), Labcorp).

NM_000090.4(COL3A1):c.3937A>C (p.Lys1313Gln)

Gene: COL3A1 (collagen type III alpha 1 chain; plus strand). Cytogenetic location: 2q32.2.
Variant type: single nucleotide variant.
Coding change: c.3937A>C on transcript NM_000090.4 (MANE Select); coding-DNA position 3937, A replaced by C.
Protein change: p.Lys1313Gln; replaces lysine 1313 with glutamine.
Molecular consequence: missense variant.
Genome position (GRCh38, 1-based): chr2:189,010,291, A>C. VCF-style: chr2-189010291-A-C. GRCh37 (hg19) VCF-style: chr2-189875017-A-C.
Other names: p.Lys1313Gln; short protein forms K1313Q.
Identifiers: ClinVar variation 263935 (VCV000263935.43), dbSNP rs886038983, ClinGen allele CA10587544.
Genomic context (GRCh38, chr2:189,010,291, plus strand): 5'-TTCTGTAATATGGAAACTGGGGAAACATGCATAAGTGCCAATCCTTTGAATGTTCCACGG[A>C]AACACTGGTGGACAGATTCTAGTGCTGAGAAGAAACACGTTTGGTTTGGAGAGTCCATGG-3'
Protein context (NP_000081.2, residues 1303-1323): ISANPLNVPR[Lys1313Gln]HWWTDSSAEK